The following is an entry in ClinVar:

NM_020320.5(RARS2):c.1570del (p.Tyr524fs)

Gene: RARS2 (arginyl-tRNA synthetase 2, mitochondrial; minus strand). Cytogenetic location: 6q15.
Variant type: Deletion.
Coding change: c.1570del on transcript NM_020320.5 (MANE Select); coding-DNA position 1570, one base deleted (T; older notation c.1570delT).
Protein change: p.Tyr524fs; shifts the reading frame from tyrosine 524.
Molecular consequence: frameshift variant. On other transcripts: non-coding transcript variant (23).
Genome position (GRCh38, 1-based): chr6:87,516,822, A deleted on the plus strand (T on the coding strand, the reverse complement: RARS2 is on the minus strand); the first of 2 consecutive A bases (chr6:87,516,822-87,516,823); deleting either gives the same sequence. VCF-style (leftmost placement, unchanged base first): chr6-87516821-TA-T. GRCh37 (hg19) VCF-style: chr6-88226539-TA-T.
Other names: c.1045del, p.Tyr349fs (NM_001318785.2, NM_001350506.2, NM_001350507.2 and 4 more transcripts); c.1570del, p.Tyr524fs (NM_001350505.2); short protein forms Y349fs, Y524fs.
Identifiers: ClinVar variation 1429786 (VCV001429786.6), dbSNP rs2127993899, ClinGen allele CA2573141250.

ClinVar aggregate classification (germline): Pathogenic (1 of 4 stars; one submission).

Submission:

Labcorp Genetics (formerly Invitae), Labcorp
Classification: Pathogenic. Last evaluated: 2021-04-06. Review status: criteria provided, single submitter. Criteria: Invitae Variant Classification Sherloc (09022015). Collection method: clinical testing. Allele origin: germline.
Comment: This variant is not present in population databases (ExAC no frequency). For these reasons, this variant has been classified as Pathogenic. This variant has not been reported in the literature in individuals with RARS2-related conditions. This sequence change creates a premature translational stop signal (p.Tyr524Thrfs*3) in the RARS2 gene. It is expected to result in an absent or disrupted protein product. Loss-of-function variants in RARS2 are known to be pathogenic (PMID: 17847012, 22569581, 26083569).

Literature cited by the submitters: PubMed 17847012; PubMed 22569581; PubMed 26083569.